The following is an entry in ClinVar:

ClinVar aggregate classification (germline): Pathogenic (1 of 4 stars; one submission).

Conditions:
Spastic paraplegia. Identifiers: MedGen C0037772, HP:0001258.

Submission:

Labcorp Genetics (formerly Invitae), Labcorp
Classification: Pathogenic for Spastic paraplegia. Last evaluated: 2022-04-14. Review status: criteria provided, single submitter. Criteria: Invitae Variant Classification Sherloc (09022015). Collection method: clinical testing. Allele origin: germline.
Comment: For these reasons, this variant has been classified as Pathogenic. This variant has not been reported in the literature in individuals affected with ZFYVE26-related conditions. This variant is not present in population databases (gnomAD no frequency). This sequence change creates a premature translational stop signal (p.Gln13Phefs*87) in the ZFYVE26 gene. It is expected to result in an absent or disrupted protein product. Loss-of-function variants in ZFYVE26 are known to be pathogenic (PMID: 18394578, 19805727).

Literature cited by the submitters: PubMed 18394578; PubMed 19805727.

NM_015346.4(ZFYVE26):c.36_46del (p.Gln13fs)

Gene: ZFYVE26 (zinc finger FYVE-type containing 26; minus strand). Cytogenetic location: 14q24.1.
Variant type: Deletion.
Coding change: c.36_46del on transcript NM_015346.4 (MANE Select); coding-DNA positions 36 to 46, 11 bases deleted (GCAGAAGCAGC).
Protein change: p.Gln13fs; shifts the reading frame from glutamine 13.
Molecular consequence: frameshift variant.
Genome position (GRCh38, 1-based): chr14:67,815,918-67,815,928, GCTGCTTCTGC deleted on the plus strand (GCAGAAGCAGC on the coding strand, the reverse complement: ZFYVE26 is on the minus strand); deleting any 11 consecutive bases within chr14:67,815,918-67,815,929 gives the same sequence; the c. name uses the placement nearest the transcript's 3' end. VCF-style (leftmost placement, unchanged base first): chr14-67815917-AGCTGCTTCTGC-A. GRCh37 (hg19) VCF-style: chr14-68282634-AGCTGCTTCTGC-A.
Other names: short protein forms Q13fs.
Identifiers: ClinVar variation 1454303 (VCV001454303.6), dbSNP rs2140261040, ClinGen allele CA2573150135.